The following is an entry in ClinVar:

ClinVar aggregate classification (germline): Pathogenic (1 of 4 stars; one submission).

Conditions:
DYRK1A-related intellectual disability syndrome (MRD7). Also called: Intellectual developmental disorder, autosomal dominant 7; DYRK1A Syndrome. Identifiers: Orphanet 464306, MedGen C5568143, MONDO:0013578, OMIM 614104.

Submission:

Variantyx, Inc.
Classification: Pathogenic for DYRK1A-related intellectual disability syndrome. Last evaluated: 2025-12-16. Review status: criteria provided, single submitter. Criteria: Variantyx Assertion Criteria 2022. Collection method: clinical testing. Allele origin: de novo. Inheritance: Autosomal dominant inheritance. Affected: yes.
Comment: This is a frameshift variant in the DYRK1A gene (OMIM: 600855). Pathogenic variants in this gene have been associated with autosomal dominant intellectual developmental disorder 7. The alteratio introduces a premature termination codon in exon 5 of 12 and is expected to result in loss of function, which is a known disease mechanism for DYRK1A in this disorder (PMID: 25944381) (PVS1). It is absent from control populations (PM2) and it has not been reported in individuals with DYRK1A-related disorders in the databases available for review. Based on the current evidence, this variant is classified as pathogenic for autosomal dominant intellectual developmental disorder 7.

Literature cited by the submitters: PubMed 25944381.

NM_001347721.2(DYRK1A):c.353del (p.Ser118fs)

Gene: DYRK1A (dual specificity tyrosine phosphorylation regulated kinase 1A; plus strand). Cytogenetic location: 21q22.13.
Variant type: Deletion.
Coding change: c.353del on transcript NM_001347721.2 (MANE Select); coding-DNA position 353, one base deleted (C; older notation c.353delC).
Protein change: p.Ser118fs; shifts the reading frame from serine 118.
Molecular consequence: frameshift variant.
Genome position (GRCh38, 1-based): chr21:37,480,690, C deleted. VCF-style (leftmost placement, unchanged base first): chr21-37480689-TC-T. GRCh37 (hg19) VCF-style: chr21-38852991-TC-T.
Other names: c.353del, p.Ser118fs (NM_001347722.2, NM_130436.2); c.266del, p.Ser89fs (NM_001347723.2); c.380del, p.Ser127fs (NM_001396.5, NM_101395.2, NM_130438.2); short protein forms S118fs, S127fs, S89fs.
Identifiers: ClinVar variation 4852219 (VCV004852219.1).